The following is an entry in ClinVar:

NM_001278116.2(L1CAM):c.1855G>T (p.Val619Leu)

Gene: L1CAM (L1 cell adhesion molecule; minus strand). Cytogenetic location: Xq28.
Variant type: single nucleotide variant.
Coding change: c.1855G>T on transcript NM_001278116.2 (MANE Select); coding-DNA position 1855, G replaced by T.
Protein change: p.Val619Leu; replaces valine 619 with leucine.
Molecular consequence: missense variant.
Genome position (GRCh38, 1-based): chrX:153,867,884, C>A on the plus strand (G>T on the coding strand, the complement: L1CAM is on the minus strand). VCF-style: chrX-153867884-C-A. GRCh37 (hg19) VCF-style: chrX-153133339-C-A.
Other names: c.1855G>T, p.Val619Leu (NM_000425.5, NM_024003.3); c.1840G>T, p.Val614Leu (NM_001143963.2); short protein forms V619L, V614L.
Identifiers: ClinVar variation 2208182 (VCV002208182.5), dbSNP rs1442284391, ClinGen allele CA415122922.

ClinVar aggregate classification (germline): Uncertain significance. Review status: criteria provided, multiple submitters, no conflicts (2 of 4 stars). 2 submissions from 2 submitters: Uncertain significance (2). Last evaluated 2024-11-06.

Conditions:
Inborn genetic diseases. Identifiers: MedGen C0950123, MeSH D030342.
Spastic paraplegia. Identifiers: MedGen C0037772, HP:0001258.

Allele frequency attached by ClinVar (database versions not stated): gnomAD 0.00001; TOPMed 0.00002.
gnomAD v4.1: 4 of 1,208,851 alleles (0.00033%); highest among the groups gnomAD compares: African/African-American, 0.0018%; no homozygotes.

Submissions (2):

Labcorp Genetics (formerly Invitae), Labcorp
Classification: Uncertain significance for Spastic paraplegia. Last evaluated: 2024-11-06. Review status: criteria provided, single submitter. Criteria: Invitae Variant Classification Sherloc (09022015). Collection method: clinical testing. Allele origin: germline.
Comment: This sequence change replaces valine, which is neutral and non-polar, with leucine, which is neutral and non-polar, at codon 619 of the L1CAM protein (p.Val619Leu). This variant is not present in population databases (gnomAD no frequency). This variant has not been reported in the literature in individuals affected with L1CAM-related conditions. ClinVar contains an entry for this variant (Variation ID: 2208182). Invitae Evidence Modeling of protein sequence and biophysical properties (such as structural, functional, and spatial information, amino acid conservation, physicochemical variation, residue mobility, and thermodynamic stability) indicates that this missense variant is not expected to disrupt L1CAM protein function with a negative predictive value of 95%. In summary, the available evidence is currently insufficient to determine the role of this variant in disease. Therefore, it has been classified as a Variant of Uncertain Significance.

Ambry Genetics
Classification: Uncertain significance for Inborn genetic diseases. Last evaluated: 2021-09-01. Review status: criteria provided, single submitter. Criteria: Ambry Variant Classification Scheme 2023. Collection method: clinical testing. Allele origin: germline.